The following is an entry in ClinVar:

ClinVar aggregate classification (germline): Uncertain significance. Review status: criteria provided, multiple submitters, no conflicts (2 of 4 stars). 3 submissions from 3 submitters: Uncertain significance (3). Last evaluated 2026-02-03.

Conditions:
Hereditary cancer-predisposing syndrome. Also called: Neoplastic Syndromes, Hereditary; Tumor predisposition; Hereditary neoplastic syndrome; Hereditary Cancer Syndrome. Identifiers: Orphanet 140162, MedGen C0027672, MeSH D009386, MONDO:0015356.
Hereditary breast ovarian cancer syndrome. Also called: Hereditary breast and ovarian cancer syndrome; Hereditary breast and ovarian cancer; Hereditary breast and/or ovarian cancer syndrome; Hereditary breast and ovarian cancer syndrome (HBOC); Breast and ovarian cancer; BRCA1- and BRCA2-Associated Hereditary Breast and Ovarian Cancer. Identifiers: Orphanet 145, MedGen C0677776, MeSH D061325, MONDO:0003582. Disease mechanism: loss of function.

Allele frequency attached by ClinVar (database versions not stated): gnomAD exomes below 0.00001.
gnomAD v4.1: 2 of 1,612,598 alleles (0.00012%); highest among the groups gnomAD compares: Non-Finnish European, 0.00017%; no homozygotes.

Submissions (3):

Labcorp Genetics (formerly Invitae), Labcorp
Classification: Uncertain significance for Hereditary breast ovarian cancer syndrome. Last evaluated: 2026-02-03. Review status: criteria provided, single submitter. Criteria: Invitae Variant Classification Sherloc (09022015). Collection method: clinical testing. Allele origin: germline.
Comment: This sequence change replaces leucine, which is neutral and non-polar, with proline, which is neutral and non-polar, at codon 1385 of the BRCA1 protein (p.Leu1385Pro). This variant is not present in population databases (gnomAD no frequency). This variant has not been reported in the literature in individuals affected with BRCA1-related conditions. ClinVar contains an entry for this variant (Variation ID: 808279). Invitae Evidence Modeling of protein sequence and biophysical properties (such as structural, functional, and spatial information, amino acid conservation, physicochemical variation, residue mobility, and thermodynamic stability) indicates that this missense variant is not expected to disrupt BRCA1 protein function with a negative predictive value of 80%. In summary, the available evidence is currently insufficient to determine the role of this variant in disease. Therefore, it has been classified as a Variant of Uncertain Significance.

Ambry Genetics
Classification: Uncertain significance for Hereditary cancer-predisposing syndrome. Last evaluated: 2024-03-11. Review status: criteria provided, single submitter. Criteria: Ambry Variant Classification Scheme 2023. Collection method: clinical testing. Allele origin: germline.
Comment: The p.L1385P variant (also known as c.4154T>C), located in coding exon 10 of the BRCA1 gene, results from a T to C substitution at nucleotide position 4154. The leucine at codon 1385 is replaced by proline, an amino acid with similar properties. This amino acid position is not well conserved in available vertebrate species. In addition, the in silico prediction for this alteration is inconclusive. Since supporting evidence is limited at this time, the clinical significance of this alteration remains unclear.

Institute for Clinical Genetics, University Hospital TU Dresden, University Hospital TU Dresden
Classification: Uncertain significance. Last evaluated: 2021-11-03. Review status: criteria provided, single submitter. Criteria: ACMG Guidelines, 2015. Collection method: clinical testing. Allele origin: germline.

NM_007294.4(BRCA1):c.4154T>C (p.Leu1385Pro)

Gene: BRCA1 (BRCA1 DNA repair associated; minus strand). Cytogenetic location: 17q21.31.
Variant type: single nucleotide variant.
Coding change: c.4154T>C on transcript NM_007294.4 (MANE Select); coding-DNA position 4154, T replaced by C.
Protein change: p.Leu1385Pro; replaces leucine 1385 with proline.
Molecular consequence: missense variant. On other transcripts: non-coding transcript variant (1).
Genome position (GRCh38, 1-based): chr17:43,090,975, A>G on the plus strand (T>C on the coding strand, the complement: BRCA1 is on the minus strand). VCF-style: chr17-43090975-A-G. GRCh37 (hg19) VCF-style: chr17-41242992-A-G.
Other names: c.3941T>C, p.Leu1314Pro (NM_001407571.1, NM_001407853.1, NM_001407894.1 and 9 more transcripts); c.4154T>C, p.Leu1385Pro (NM_001407581.1, NM_001407582.1, NM_001407583.1 and 30 more transcripts); c.4151T>C, p.Leu1384Pro (NM_001407587.1, NM_001407590.1, NM_001407591.1 and 22 more transcripts); c.4145T>C, p.Leu1382Pro (NM_001407646.1, NM_001407647.1); c.4031T>C, p.Leu1344Pro (NM_001407648.1, NM_001407664.1, NM_001407665.1 and 19 more transcripts); c.4028T>C, p.Leu1343Pro (NM_001407649.1, NM_001407670.1, NM_001407671.1 and 11 more transcripts); c.4076T>C, p.Leu1359Pro (NM_001407653.1, NM_001407654.1, NM_001407655.1 and 4 more transcripts); c.4073T>C, p.Leu1358Pro (NM_001407659.1, NM_001407660.1, NM_001407661.1 and 1 more transcripts); and 41 more; short protein forms L1338P, L1385P, L282P, L1089P, L1217P, L1257P, L1273P, L1274P.
Identifiers: ClinVar variation 808279 (VCV000808279.23), dbSNP rs1597858317, ClinGen allele CA10593414.